The following is an entry in ClinVar:

NM_022114.4(PRDM16):c.1985T>G (p.Val662Gly)

Gene: PRDM16 (PR/SET domain 16; plus strand). Cytogenetic location: 1p36.32.
Variant type: single nucleotide variant.
Coding change: c.1985T>G on transcript NM_022114.4 (MANE Select); coding-DNA position 1985, T replaced by G.
Protein change: p.Val662Gly; replaces valine 662 with glycine.
Molecular consequence: missense variant.
Genome position (GRCh38, 1-based): chr1:3,412,182, T>G. VCF-style: chr1-3412182-T-G. GRCh37 (hg19) VCF-style: chr1-3328746-T-G.
Other names: c.1985T>G, p.Val662Gly (NM_199454.3); short protein forms V662G.
Identifiers: ClinVar variation 3774284 (VCV003774284.1).
Genomic context (GRCh38, chr1:3,412,182, plus strand): 5'-CCGCCGAGGGCCAGCCCAAGTTTGGGGGCGGCTTGGCGCCCCCGGGGGCCCCGAACAGCG[T>G]GGCCGAGGTGCCTGTCTTCTATTCCCAGCACTCATTCTTCCCGCCACCCGACGAGCAGCT-3'
Protein context (NP_071397.3, residues 652-672): GLAPPGAPNS[Val662Gly]AEVPVFYSQH

ClinVar aggregate classification (germline): Uncertain significance (1 of 4 stars; one submission).

Submission:

GeneDx
Classification: Uncertain significance. Last evaluated: 2024-09-20. Review status: criteria provided, single submitter. Criteria: GeneDx Variant Classification Process June 2021. Collection method: clinical testing. Allele origin: germline. Affected: yes.
Comment: Not observed at significant frequency in large population cohorts (gnomAD); In silico analysis indicates that this missense variant does not alter protein structure/function; Has not been previously published as pathogenic or benign to our knowledge